The following is an entry in ClinVar:

ClinVar aggregate classification (germline): Pathogenic. Review status: criteria provided, multiple submitters, no conflicts (2 of 4 stars). 2 submissions from 2 submitters: Pathogenic (2). Last evaluated 2019-12-25.

Conditions:
Cardiovascular phenotype. Identifiers: MedGen CN230736.
Telangiectasia, hereditary hemorrhagic, type 2 (HHT2). Also called: ACVRL1-Related Hereditary Hemorrhagic Telangiectasia; Telangiectasia, hereditary hemorrhagic, type II. Identifiers: Orphanet 774, MedGen C1838163, MONDO:0010880, OMIM 600376. Disease mechanism: loss of function.

Submissions (2):

Labcorp Genetics (formerly Invitae), Labcorp
Classification: Pathogenic for Telangiectasia, hereditary hemorrhagic, type 2. Last evaluated: 2019-12-25. Review status: criteria provided, single submitter. Criteria: Invitae Variant Classification Sherloc (09022015). Collection method: clinical testing. Allele origin: germline.
Comment: This sequence change creates a premature translational stop signal (p.Thr387Serfs*30) in the ACVRL1 gene. It is expected to result in an absent or disrupted protein product. This variant is not present in population databases (ExAC no frequency). This variant has not been reported in the literature in individuals with ACVRL1-related conditions. Loss-of-function variants in ACVRL1 are known to be pathogenic (PMID: 15879500). For these reasons, this variant has been classified as Pathogenic.

Ambry Genetics
Classification: Pathogenic for Cardiovascular phenotype. Last evaluated: 2018-10-20. Review status: criteria provided, single submitter. Criteria: Ambry Variant Classification Scheme 2023. Collection method: clinical testing. Allele origin: germline.
Comment: The c.1153_1157dupATCCG pathogenic mutation, located in coding exon 7 of the ACVRL1 gene, results from a duplication of ATCCG at nucleotide position 1153, causing a translational frameshift with a predicted alternate stop codon (p.T387Sfs*30). This mutation was reported in an individual with epistaxis, arteriovenous malformation, and a family history as c.1158_1162dupATCCG (Richards-Yutz J et al. Hum. Genet., 2010 Jul;128:61-77). In addition to the clinical data presented in the literature, this alteration is expected to result in loss of function by premature protein truncation or nonsense-mediated mRNA decay. As such, this alteration is interpreted as a disease-causing mutation.

Literature cited by the submitters: PubMed 15879500 (cited by Labcorp Genetics (formerly Invitae), Labcorp); PubMed 20414677 (cited by Ambry Genetics).

NM_000020.3(ACVRL1):c.1153_1157dup (p.Thr387fs)

Gene: ACVRL1 (activin A receptor like type 1; plus strand). Cytogenetic location: 12q13.13.
Variant type: Duplication.
Coding change: c.1153_1157dup on transcript NM_000020.3 (MANE Select); coding-DNA positions 1153 to 1157, 5 bases duplicated (ATCCG; older notation c.1153_1157dupATCCG).
Protein change: p.Thr387fs; shifts the reading frame from threonine 387.
Molecular consequence: frameshift variant.
Genome position (GRCh38, 1-based): chr12:51,916,140-51,916,144, ATCCG duplicated; duplicating any 5 consecutive bases within chr12:51,916,139-51,916,144 gives the same sequence; the c. name uses the placement nearest the transcript's 3' end. VCF-style (leftmost placement, unchanged base first): chr12-51916138-A-AGATCC. GRCh37 (hg19) VCF-style: chr12-52309922-A-AGATCC.
Other names: c.1153_1157dup, p.Thr387fs (NM_001077401.2); c.1153_1157dupATCCG (NM_000020.2); short protein forms T387fs.
Identifiers: ClinVar variation 859419 (VCV000859419.10), dbSNP rs1940834530, ClinGen allele CA916081671.